The following is an entry in ClinVar:

NM_001367624.2(ZNF469):c.9467G>A (p.Arg3156Gln)

Gene: ZNF469 (zinc finger protein 469; plus strand). Cytogenetic location: 16q24.2.
Variant type: single nucleotide variant.
Coding change: c.9467G>A on transcript NM_001367624.2 (MANE Select); coding-DNA position 9467, G replaced by A.
Protein change: p.Arg3156Gln; replaces arginine 3156 with glutamine.
Molecular consequence: missense variant.
Genome position (GRCh38, 1-based): chr16:88,436,937, G>A. VCF-style: chr16-88436937-G-A. GRCh37 (hg19) VCF-style: chr16-88503345-G-A.
Other names: p.Arg3156Gln; NM_001127464.1:c.9383G>A; short protein forms R3156Q.
Identifiers: ClinVar variation 2683381 (VCV002683381.2), dbSNP rs985213215, ClinGen allele CA397122415.

ClinVar aggregate classification (germline): Uncertain significance. Review status: criteria provided, multiple submitters, no conflicts (2 of 4 stars). 2 submissions from 2 submitters: Uncertain significance (2). Last evaluated 2026-08-29.

Conditions:
Cardiovascular phenotype. Identifiers: MedGen CN230736.

gnomAD v4.1: 9 of 1,492,750 alleles (0.0006%); highest among the groups gnomAD compares: Admixed American, 0.0022%; no homozygotes.

Submissions (2):

Ambry Genetics
Classification: Uncertain significance for Cardiovascular phenotype. Last evaluated: 2026-08-29. Review status: criteria provided, single submitter. Criteria: Ambry Variant Classification Scheme 2023. Collection method: clinical testing. Allele origin: germline.
Comment: The p.R3128Q variant (also known as c.9383G>A), located in coding exon 2 of the ZNF469 gene, results from a G to A substitution at nucleotide position 9383. The arginine at codon 3128 is replaced by glutamine, an amino acid with highly similar properties. This amino acid position is conserved. In addition, this alteration is predicted to be tolerated by in silico analysis. Based on the available evidence, the clinical significance of this variant remains unclear.

Mayo Clinic Laboratories, Mayo Clinic
Classification: Uncertain significance. Last evaluated: 2023-04-13. Review status: criteria provided, single submitter. Criteria: ACMG Guidelines, 2015. Collection method: clinical testing. Allele origin: germline. Observed: 1 variant allele.
Comment: BP4